The following is an entry in ClinVar:

ClinVar aggregate classification (germline): Uncertain significance (1 of 4 stars; one submission).

Submission:

Dasa
Classification: Uncertain significance. Last evaluated: 2025-12-03. Review status: criteria provided, single submitter. Criteria: DASA Assertion Criteria. Collection method: clinical testing. Allele origin: germline.
Comment: NM_017780.4(CHD7):c.1606C>G (p.Pro536Ala) is a missense variant that results in the substitution of proline with alanine. This variant is absent from population databases. The currently available literature and clinical evidence are not sufficient to establish a definitive association between this variant and the reported condition. Therefore, this variant is classified as a variant of uncertain significance.

NM_017780.4(CHD7):c.1606C>G (p.Pro536Ala)

Gene: CHD7 (chromodomain helicase DNA binding protein 7; plus strand). Cytogenetic location: 8q12.2.
Variant type: single nucleotide variant.
Coding change: c.1606C>G on transcript NM_017780.4 (MANE Select); coding-DNA position 1606, C replaced by G.
Protein change: p.Pro536Ala; replaces proline 536 with alanine.
Molecular consequence: missense variant.
Genome position (GRCh38, 1-based): chr8:60,743,038, C>G. VCF-style: chr8-60743038-C-G. GRCh37 (hg19) VCF-style: chr8-61655597-C-G.
Other names: c.1606C>G, p.Pro536Ala (NM_001316690.1); short protein forms P536A.
Identifiers: ClinVar variation 4885087 (VCV004885087.2).